The following is an entry in ClinVar:

NM_014423.4(AFF4):c.413C>T (p.Ala138Val)

Gene: AFF4 (ALF transcription elongation factor 4; minus strand). Cytogenetic location: 5q31.1.
Variant type: single nucleotide variant.
Coding change: c.413C>T on transcript NM_014423.4 (MANE Select); coding-DNA position 413, C replaced by T.
Protein change: p.Ala138Val; replaces alanine 138 with valine.
Molecular consequence: missense variant.
Genome position (GRCh38, 1-based): chr5:132,934,652, G>A on the plus strand (C>T on the coding strand, the complement: AFF4 is on the minus strand). VCF-style: chr5-132934652-G-A. GRCh37 (hg19) VCF-style: chr5-132270344-G-A.
Other names: short protein forms A138V.
Identifiers: ClinVar variation 3347065 (VCV003347065.1).
Genomic context (GRCh38, chr5:132,934,652, plus strand): 5'-TTGTTATATGACTCACGGTCGTGCCTCTGACCACTACTGTTAGTGCCACTACTGCTACCT[G>A]CGCTGGTCCGCTGGCTACTATGTCCACTCTGTAAGCCTGAGGACCGTTTCTGAGACTGAG-3'
Protein context (NP_055238.1, residues 128-148): QSGHSSQRTS[Ala138Val]GSSSGTNSSG

ClinVar aggregate classification (germline): Uncertain significance (0 of 4 stars; one submission).

Conditions:
AFF4-related disorder. Also called: AFF4-related condition.

Submission:

PreventionGenetics, part of Exact Sciences
Classification: Uncertain significance for AFF4-related condition. Last evaluated: 2024-08-21. Review status: no assertion criteria provided. Collection method: clinical testing. Allele origin: germline.
Comment: The AFF4 c.413C>T variant is predicted to result in the amino acid substitution p.Ala138Val. To our knowledge, this variant has not been reported in the literature or in a large population database, indicating this variant is rare. At this time, the clinical significance of this variant is uncertain due to the absence of conclusive functional and genetic evidence.